The following is an entry in ClinVar:

NM_170675.5(MEIS2):c.919G>A (p.Glu307Lys)

Gene: MEIS2 (Meis homeobox 2; minus strand). Cytogenetic location: 15q14.
Variant type: single nucleotide variant.
Coding change: c.919G>A on transcript NM_170675.5 (MANE Select); coding-DNA position 919, G replaced by A.
Protein change: p.Glu307Lys; replaces glutamic acid 307 with lysine.
Molecular consequence: missense variant.
Genome position (GRCh38, 1-based): chr15:36,950,382, C>T on the plus strand (G>A on the coding strand, the complement: MEIS2 is on the minus strand). VCF-style: chr15-36950382-C-T. GRCh37 (hg19) VCF-style: chr15-37242583-C-T.
Other names: c.919G>A, p.Glu307Lys (NM_001220482.2, NM_170674.5, NM_170676.5 and 1 more transcripts); c.880G>A, p.Glu294Lys (NM_002399.4, NM_172315.3); c.655G>A, p.Glu219Lys (NM_172316.3); short protein forms E219K, E307K, E294K.
Identifiers: ClinVar variation 5008884 (VCV005008884.1).

ClinVar aggregate classification (germline): Uncertain significance (1 of 4 stars; one submission).

Submission:

GeneDx
Classification: Uncertain significance. Last evaluated: 2026-03-09. Review status: criteria provided, single submitter. Criteria: GeneDx Variant Classification Process June 2021. Collection method: clinical testing. Allele origin: germline.
Comment: Not observed at significant frequency in large population cohorts (gnomAD); In silico analysis supports that this missense variant has a deleterious effect on protein structure/function; Has not been previously published as pathogenic or benign to our knowledge